The following is an entry in ClinVar:

ClinVar aggregate classification (germline): Uncertain significance (1 of 4 stars; one submission).

Conditions:
SEMA3A-related disorder. Also called: SEMA3A-related condition.

Submission:

PreventionGenetics, part of Exact Sciences
Classification: Uncertain significance for SEMA3A-related condition. Last evaluated: 2025-01-28. Review status: criteria provided, single submitter. Criteria: ACMG Guidelines, 2015. Collection method: clinical testing. Allele origin: germline.
Comment: The SEMA3A c.979G>C variant is predicted to result in the amino acid substitution p.Val327Leu. To our knowledge, this variant has not been reported in the literature or in a large population database (gnomAD), indicating this variant is rare. At this time, the clinical significance of this variant is uncertain due to the absence of conclusive functional and genetic evidence.

NM_006080.3(SEMA3A):c.979G>C (p.Val327Leu)

Gene: SEMA3A (semaphorin 3A; minus strand). Cytogenetic location: 7q21.11.
Variant type: single nucleotide variant.
Coding change: c.979G>C on transcript NM_006080.3 (MANE Select); coding-DNA position 979, G replaced by C.
Protein change: p.Val327Leu; replaces valine 327 with leucine.
Molecular consequence: missense variant.
Genome position (GRCh38, 1-based): chr7:84,011,038, C>G on the plus strand (G>C on the coding strand, the complement: SEMA3A is on the minus strand). VCF-style: chr7-84011038-C-G. GRCh37 (hg19) VCF-style: chr7-83640354-C-G.
Other names: short protein forms V327L.
Identifiers: ClinVar variation 5001812 (VCV005001812.1).